The following is an entry in ClinVar:

ClinVar aggregate classification (germline): Uncertain significance (1 of 4 stars; one submission).

Submission:

Labcorp Genetics (formerly Invitae), Labcorp
Classification: Uncertain significance. Last evaluated: 2025-10-06. Review status: criteria provided, single submitter. Criteria: Invitae Variant Classification Sherloc (09022015). Collection method: clinical testing. Allele origin: germline.
Comment: This sequence change falls in intron 12 of the CSF2RB gene. It does not directly change the encoded amino acid sequence of the CSF2RB protein. This variant is not present in population databases (gnomAD no frequency). This variant has not been reported in the literature in individuals affected with CSF2RB-related conditions. Algorithms developed to predict the effect of sequence changes on RNA splicing suggest that this variant may disrupt the consensus splice site. In summary, the available evidence is currently insufficient to determine the role of this variant in disease. Therefore, it has been classified as a Variant of Uncertain Significance.

NM_000395.3(CSF2RB):c.1465-10dup

Gene: CSF2RB (colony stimulating factor 2 receptor subunit beta; plus strand). Cytogenetic location: 22q12.3.
Variant type: Duplication.
Coding change: c.1465-10dup on transcript NM_000395.3 (MANE Select); 10 bases into the intron before coding-DNA position 1465, one base duplicated (G; older notation c.1465-10dupG).
Molecular consequence: intron variant.
Genome position (GRCh38, 1-based): chr22:36,936,539, G duplicated. VCF-style (leftmost placement, unchanged base first): chr22-36936538-T-TG. GRCh37 (hg19) VCF-style: chr22-37332580-T-TG.
Other names: c.1483-10dup (NM_001410827.1).
Identifiers: ClinVar variation 4728558 (VCV004728558.1).
Genomic context (GRCh38, chr22:36,936,538, plus strand): 5'-CGTCACCCTCTGCCTTGCCCCCACCTCGGACCTCCTGATGCTCACCGGCCCAAATGTCTC[T>TG]GCTCTTGCAGAACGGGAGCGCAGAGCTTTGGCCCCCAGGCAGCATGTCGGCCTTCACTAG-3'